The following is an entry in ClinVar:

ClinVar aggregate classification (germline): Likely benign (1 of 4 stars; one submission).

Allele frequency attached by ClinVar (database versions not stated): 1000 Genomes Project 30x 0.00078; 1000 Genomes Project 0.00100.
gnomAD v4.1: 2,246 of 1,610,884 alleles (0.14%); highest among the groups gnomAD compares: South Asian, 0.73%; 16 homozygotes.

Submission:

CeGaT Center for Human Genetics Tuebingen
Classification: Likely benign. Last evaluated: 2023-01-01. Review status: criteria provided, single submitter. Criteria: CeGaT Center For Human Genetics Tuebingen Variant Classification Criteria Version 2. Collection method: clinical testing. Allele origin: germline. Affected: yes. Observed: 2 variant alleles.
Comment: HRNR: BS2

NM_001009931.3(HRNR):c.3023G>C (p.Ser1008Thr)

Genes: CCDST (cervical cancer associated DHX9 suppressive transcript; plus strand), HRNR (hornerin; minus strand). Cytogenetic location: 1q21.3.
Variant type: single nucleotide variant.
Coding change: c.3023G>C on transcript NM_001009931.3 (MANE Select); coding-DNA position 3023, G replaced by C.
Protein change: p.Ser1008Thr; replaces serine 1008 with threonine.
Molecular consequence: missense variant.
Genome position (GRCh38, 1-based): chr1:152,218,606, C>G on the plus strand (G>C on the coding strand, the complement: HRNR is on the minus strand). VCF-style: chr1-152218606-C-G. GRCh37 (hg19) VCF-style: chr1-152191082-C-G.
Other names: short protein forms S1008T.
Identifiers: ClinVar variation 2639207 (VCV002639207.24), dbSNP rs139947063, ClinGen allele CA1101248.